The following is an entry in ClinVar:

NM_024996.7(GFM1):c.707G>A (p.Gly236Asp)

Gene: GFM1 (G elongation factor mitochondrial 1; plus strand). Cytogenetic location: 3q25.32.
Variant type: single nucleotide variant.
Coding change: c.707G>A on transcript NM_024996.7 (MANE Select); coding-DNA position 707, G replaced by A.
Protein change: p.Gly236Asp; replaces glycine 236 with aspartic acid.
Molecular consequence: missense variant. On other transcripts: non-coding transcript variant (4).
Genome position (GRCh38, 1-based): chr3:158,652,113, G>A. VCF-style: chr3-158652113-G-A. GRCh37 (hg19) VCF-style: chr3-158369902-G-A.
Other names: c.764G>A, p.Gly255Asp (NM_001308164.2, NM_001374355.1); c.707G>A, p.Gly236Asp (NM_001308166.2); c.590G>A, p.Gly197Asp (NM_001374356.1); c.482G>A, p.Gly161Asp (NM_001374357.1); c.248G>A, p.Gly83Asp (NM_001374358.1); c.140G>A, p.Gly47Asp (NM_001374359.1, NM_001374360.1); c.23G>A, p.Gly8Asp (NM_001374361.1); short protein forms G161D, G197D, G236D, G255D, G83D, G47D, G8D.
Identifiers: ClinVar variation 2164396 (VCV002164396.1), dbSNP rs1415352138, ClinGen allele CA355176628.

ClinVar aggregate classification (germline): Uncertain significance (1 of 4 stars; one submission).

Allele frequency attached by ClinVar (database versions not stated): gnomAD exomes below 0.00001; TOPMed 0.00003.
gnomAD v4.1: 8 of 1,614,066 alleles (0.0005%); highest among the groups gnomAD compares: Admixed American, 0.0033%; no homozygotes.

Submission:

Labcorp Genetics (formerly Invitae), Labcorp
Classification: Uncertain significance. Last evaluated: 2020-06-12. Review status: criteria provided, single submitter. Criteria: Invitae Variant Classification Sherloc (09022015). Collection method: clinical testing. Allele origin: germline.
Comment: This sequence change replaces glycine with aspartic acid at codon 236 of the GFM1 protein (p.Gly236Asp). The glycine residue is weakly conserved and there is a moderate physicochemical difference between glycine and aspartic acid. This variant is not present in population databases (ExAC no frequency). This variant has not been reported in the literature in individuals with GFM1-related conditions. Algorithms developed to predict the effect of missense changes on protein structure and function output the following: SIFT: "Tolerated"; PolyPhen-2: "Benign"; Align-GVGD: "Class C0". The aspartic acid amino acid residue is found in multiple mammalian species, suggesting that this missense change does not adversely affect protein function. These predictions have not been confirmed by published functional studies and their clinical significance is uncertain. In summary, the available evidence is currently insufficient to determine the role of this variant in disease. Therefore, it has been classified as a Variant of Uncertain Significance.